The following is an entry in ClinVar:

NM_018263.6(ASXL2):c.2591_2592insC (p.Ile865fs)

Gene: ASXL2 (ASXL transcriptional regulator 2; minus strand). Cytogenetic location: 2p23.3.
Variant type: Insertion.
Coding change: c.2591_2592insC on transcript NM_018263.6 (MANE Select); coding-DNA positions 2591 to 2592, C inserted.
Protein change: p.Ile865fs; shifts the reading frame from isoleucine 865.
Molecular consequence: frameshift variant.
Genome position: GRCh38 VCF-style: chr2-25743745-A-AG. GRCh37 (hg19) VCF-style: chr2-25966614-A-AG.
Other names: c.2417_2418insC, p.Ile807fs (NM_001369346.1); c.1811_1812insC, p.Ile605fs (NM_001369347.1); short protein forms I605fs, I807fs, I865fs.
Identifiers: ClinVar variation 3062123 (VCV003062123.1), dbSNP rs2465306000, ClinGen allele CA2740092737.
Genomic context (GRCh38, chr2:25,743,745, plus strand): 5'-GGGAGTTACAGCCACTGGCACACTAGCATCTGTCTTTGATGAGGCTGAAGGGTTAGGTAT[A>AG]TTCTTACTAGGACCTGCTTTGAGCTCAACTGTGCCATCAGCTGCACAATGAACAGGTGAG-3'

ClinVar aggregate classification (germline): Uncertain significance (1 of 4 stars; one submission).

Conditions:
Shashi-Pena syndrome (SHAPNS). Identifiers: Orphanet 689408, MedGen C4310672, MONDO:0014963, OMIM 617190.

Submission:

Illumina Laboratory Services, Illumina
Classification: Uncertain significance for Shashi-Pena syndrome. Last evaluated: 2019-03-08. Review status: criteria provided, single submitter. Criteria: ICSLVariantClassificationCriteria RUGD 01 April 2020. Collection method: clinical testing. Allele origin: unknown.
Comment: The ASXL2 c.2591_2592insC p.(Ile865TyrfsTer3) variant occurs in the last exon of the gene and the resulting transcript may escape nonsense-mediated mRNA decay. To our knowledge, this variant has not been reported in the peer-reviewed literature. This variant is predicted to result in the deletion of a nuclear receptor binding motif and a PHD-type zinc finger domain (Shashi et al. 2016). This variant is not observed in version 2.1.1 of the Genome Aggregation Database. Based on the evidence, the c.2591_2592insC p.(Ile865TyrfsTer3) variant is classified as a variant of uncertain significance for Shashi-Pena syndrome.